The following is an entry in ClinVar:

ClinVar aggregate classification (germline): Conflicting classifications of pathogenicity. Review status: criteria provided, conflicting classifications (1 of 4 stars). 2 submissions from 2 submitters: Uncertain significance (1); Benign (1). Last evaluated 2025-11-17.

Conditions:
Capillary malformation-arteriovenous malformation syndrome. Also called: Capillary malformation-arteriovenous malformation. Identifiers: Orphanet 137667, MedGen C1842180, MONDO:0012016.
Cardiovascular phenotype. Identifiers: MedGen CN230736.

Allele frequency attached by ClinVar (database versions not stated): gnomAD 0.00001; gnomAD exomes 0.00001; ExAC 0.00002; TOPMed 0.00004.
gnomAD v4.1: 22 of 1,611,350 alleles (0.0014%); highest among the groups gnomAD compares: South Asian, 0.017%; no homozygotes.

Submissions (2):

Labcorp Genetics (formerly Invitae), Labcorp
Classification: Uncertain significance for Capillary malformation-arteriovenous malformation syndrome. Last evaluated: 2025-11-17. Review status: criteria provided, single submitter. Criteria: Invitae Variant Classification Sherloc (09022015). Collection method: clinical testing. Allele origin: germline.
Comment: This sequence change replaces threonine, which is neutral and polar, with isoleucine, which is neutral and non-polar, at codon 60 of the RASA1 protein (p.Thr60Ile). This variant is present in population databases (rs779770765, gnomAD 0.007%). This variant has not been reported in the literature in individuals affected with RASA1-related conditions. ClinVar contains an entry for this variant (Variation ID: 1515753). An algorithm developed to predict the effect of missense changes on protein structure and function (PolyPhen-2) suggests that this variant is likely to be disruptive. In summary, the available evidence is currently insufficient to determine the role of this variant in disease. Therefore, it has been classified as a Variant of Uncertain Significance.

Ambry Genetics
Classification: Benign for Cardiovascular phenotype. Last evaluated: 2024-10-29. Review status: criteria provided, single submitter. Criteria: Ambry Variant Classification Scheme 2023. Collection method: clinical testing. Allele origin: germline.

NM_002890.3(RASA1):c.179C>T (p.Thr60Ile)

Gene: RASA1 (RAS p21 protein activator 1; plus strand). Cytogenetic location: 5q14.3.
Variant type: single nucleotide variant.
Coding change: c.179C>T on transcript NM_002890.3 (MANE Select); coding-DNA position 179, C replaced by T.
Protein change: p.Thr60Ile; replaces threonine 60 with isoleucine.
Molecular consequence: missense variant.
Genome position (GRCh38, 1-based): chr5:87,268,630, C>T. VCF-style: chr5-87268630-C-T. GRCh37 (hg19) VCF-style: chr5-86564447-C-T.
Other names: short protein forms T60I.
Identifiers: ClinVar variation 1515753 (VCV001515753.9), dbSNP rs779770765, ClinGen allele CA3335344.